The following is an entry in ClinVar:

NM_020458.4(TTC7A):c.2034G>A (p.Ser678=)

Gene: TTC7A (tetratricopeptide repeat domain 7A; plus strand). Cytogenetic location: 2p21.
Variant type: single nucleotide variant.
Coding change: c.2034G>A on transcript NM_020458.4 (MANE Select); coding-DNA position 2034, G replaced by A.
Protein change: p.Ser678=; no amino-acid change (serine 678 retained).
Molecular consequence: synonymous variant.
Genome position (GRCh38, 1-based): chr2:47,051,762, G>A. VCF-style: chr2-47051762-G-A. GRCh37 (hg19) VCF-style: chr2-47278901-G-A.
Other names: p.Ser678=; c.2106G>A, p.Ser702= (NM_001288951.2); c.1932G>A, p.Ser644= (NM_001288953.2); c.972G>A, p.Ser324= (NM_001288955.2).
Identifiers: ClinVar variation 1170393 (VCV001170393.19), dbSNP rs3739100, ClinGen allele CA1647987.

ClinVar aggregate classification (germline): Benign. Review status: criteria provided, multiple submitters, no conflicts (2 of 4 stars). 7 submissions from 7 submitters: Benign (7). Last evaluated 2026-02-04.

Conditions:
Gastrointestinal defects and immunodeficiency syndrome 1 (GIDID1). Also called: Combined immunodeficiency-enteropathy spectrum. Identifiers: Orphanet 436252, MedGen C5968858, MONDO:0800030, OMIM 243150.
Multiple gastrointestinal atresias. Also called: FAMILIAL INTESTINAL POLYATRESIA SYNDROME; Multiple intestinal atresia. Identifiers: Orphanet 2300, MedGen C0220744, MONDO:0009465.

Allele frequency attached by ClinVar (database versions not stated): gnomAD exomes 0.05653 and 0.10814; ESP Exome Variant Server 0.07351; gnomAD 0.09488 and 0.09889; ExAC 0.10708; TOPMed 0.10883; 1000 Genomes Project 30x 0.17973; 1000 Genomes Project 0.18391.
gnomAD v4.1: 98,434 of 1,610,260 alleles (6.1%); highest among the groups gnomAD compares: East Asian, 48%; 8,696 homozygotes.

Submissions (7):

Labcorp Genetics (formerly Invitae), Labcorp
Classification: Benign for Multiple gastrointestinal atresias. Last evaluated: 2026-02-04. Review status: criteria provided, single submitter. Criteria: Invitae Variant Classification Sherloc (09022015). Collection method: clinical testing. Allele origin: germline.

Blueprint Genetics
Classification: Benign. Last evaluated: 2024-11-26. Review status: criteria provided, single submitter. Criteria: ACMG Guidelines, 2015. Collection method: clinical testing. Allele origin: germline.

Unidad de Genómica Garrahan, Hospital de Pediatría Garrahan
Classification: Benign. Last evaluated: 2024-01-24. Review status: criteria provided, single submitter. Criteria: ACMG Guidelines, 2015. Collection method: clinical testing. Allele origin: germline. Affected: no. Observed: 26 variant alleles.
Comment: This variant is classified as Benign based on local population frequency. This variant was detected in 27% of patients studied by a panel of primary immunodeficiencies. Number of patients: 26. Only high quality variants are reported.

Genome-Nilou Lab
Classification: Benign for Gastrointestinal defects and immunodeficiency syndrome 1. Last evaluated: 2021-09-10. Review status: criteria provided, single submitter. Criteria: ACMG Guidelines, 2015. Collection method: clinical testing. Allele origin: germline. Affected: no.

GeneDx
Classification: Benign. Last evaluated: 2018-07-09. Review status: criteria provided, single submitter. Criteria: GeneDx Variant Classification Process June 2021. Collection method: clinical testing. Allele origin: germline. Affected: yes.

Mayo Clinic Laboratories, Mayo Clinic
Classification: Benign. Last evaluated: 2018-03-20. Review status: criteria provided, single submitter. Criteria: ACMG Guidelines, 2015. Collection method: clinical testing. Allele origin: germline. Observed: 61 variant alleles.

Breakthrough Genomics
Classification: Benign. Review status: criteria provided, single submitter. Criteria: ACMG Guidelines, 2015. Collection method: not provided. Allele origin: germline. Inheritance: Autosomal recessive inheritance. Affected: yes.